The following is an entry in ClinVar:

NM_000433.4(NCF2):c.174+1G>A

Gene: NCF2 (neutrophil cytosolic factor 2; minus strand). Cytogenetic location: 1q25.3.
Variant type: single nucleotide variant.
Coding change: c.174+1G>A on transcript NM_000433.4 (MANE Select); the canonical splice donor site of the intron after coding-DNA position 174, G replaced by A.
Molecular consequence: splice donor variant.
Genome position (GRCh38, 1-based): chr1:183,590,155, C>T on the plus strand (G>A on the coding strand, the complement: NCF2 is on the minus strand). VCF-style: chr1-183590155-C-T. GRCh37 (hg19) VCF-style: chr1-183559290-C-T.
Other names: c.174+1G>A (NM_001410895.1, NM_001127651.3, NM_001190789.2 and 1 more transcripts).
Identifiers: ClinVar variation 4773358 (VCV004773358.1), dbSNP rs61809332.

ClinVar aggregate classification (germline): Likely pathogenic (1 of 4 stars; one submission).

Conditions:
Granulomatous disease, chronic, autosomal recessive, cytochrome b-positive, type 2. Also called: CGD, AUTOSOMAL RECESSIVE CYTOCHROME b-POSITIVE, TYPE II; GRANULOMATOUS DISEASE, CHRONIC, DUE TO NCF2 DEFICIENCY; Chronic granulomatous disease due to deficiency of NCF-2; Chronic Granulomatous Disease, Autosomal Recessive, Cytochrome b-Positive, Type II; GRANULOMATOUS DISEASE, CHRONIC, AUTOSOMAL RECESSIVE, 2. Identifiers: Orphanet 379, MedGen C1856245, MONDO:0009310, OMIM 233710.

Submission:

Labcorp Genetics (formerly Invitae), Labcorp
Classification: Likely pathogenic for Granulomatous disease, chronic, autosomal recessive, cytochrome b-positive, type 2. Last evaluated: 2026-01-12. Review status: criteria provided, single submitter. Criteria: Invitae Variant Classification Sherloc (09022015). Collection method: clinical testing. Allele origin: germline.
Comment: This sequence change affects a donor splice site in intron 1 of the NCF2 gene. It is expected to disrupt RNA splicing. Variants that disrupt the donor or acceptor splice site typically lead to a loss of protein function (PMID: 16199547), and loss-of-function variants in NCF2 are known to be pathogenic (PMID: 10498624, 20167518). This variant is not present in population databases (gnomAD no frequency). This variant has not been reported in the literature in individuals affected with NCF2-related conditions. Algorithms developed to predict the effect of sequence changes on RNA splicing suggest that this variant may disrupt the consensus splice site. In summary, the currently available evidence indicates that the variant is pathogenic, but additional data are needed to prove that conclusively. Therefore, this variant has been classified as Likely Pathogenic.

Literature cited by the submitters: PubMed 16199547; PubMed 10498624; PubMed 20167518.